The following is an entry in ClinVar:

ClinVar aggregate classification (germline): Uncertain significance. Review status: criteria provided, multiple submitters, no conflicts (2 of 4 stars). 3 submissions from 3 submitters: Uncertain significance (3). Last evaluated 2025-11-07.

Conditions:
Cardiovascular phenotype. Identifiers: MedGen CN230736.
Arrhythmogenic right ventricular dysplasia 9 (ARVD9). Also called: Arrhythmogenic Right Ventricular Dysplasia/Cardiomyopathy 9; ARRHYTHMOGENIC RIGHT VENTRICULAR DYSPLASIA, FAMILIAL, 9. Identifiers: MedGen C1836906, MONDO:0012180, OMIM 609040.

Submissions (3):

Ambry Genetics
Classification: Uncertain significance for Cardiovascular phenotype. Last evaluated: 2025-11-07. Review status: criteria provided, single submitter. Criteria: Ambry Variant Classification Scheme 2023. Collection method: clinical testing. Allele origin: germline.

GeneDx
Classification: Uncertain significance. Last evaluated: 2025-08-03. Review status: criteria provided, single submitter. Criteria: GeneDx Variant Classification Process June 2021. Collection method: clinical testing. Allele origin: germline. Affected: yes.
Comment: Not observed at significant frequency in large population cohorts (gnomAD); In silico analysis supports that this missense variant has a deleterious effect on protein structure/function; Has not been previously published as pathogenic or benign to our knowledge

Labcorp Genetics (formerly Invitae), Labcorp
Classification: Uncertain significance for Arrhythmogenic right ventricular dysplasia 9. Last evaluated: 2023-07-08. Review status: criteria provided, single submitter. Criteria: Invitae Variant Classification Sherloc (09022015). Collection method: clinical testing. Allele origin: germline.
Comment: This sequence change replaces alanine, which is neutral and non-polar, with valine, which is neutral and non-polar, at codon 839 of the PKP2 protein (p.Ala839Val). In summary, the available evidence is currently insufficient to determine the role of this variant in disease. Therefore, it has been classified as a Variant of Uncertain Significance. An algorithm developed to predict the effect of missense changes on protein structure and function (PolyPhen-2) suggests that this variant is likely to be disruptive. This variant has not been reported in the literature in individuals affected with PKP2-related conditions. This variant is not present in population databases (gnomAD no frequency).

NM_001005242.3(PKP2):c.2384C>T (p.Ala795Val)

Gene: PKP2 (plakophilin 2; minus strand). Cytogenetic location: 12p11.21.
Variant type: single nucleotide variant.
Coding change: c.2384C>T on transcript NM_001005242.3 (MANE Select); coding-DNA position 2384, C replaced by T.
Protein change: p.Ala795Val; replaces alanine 795 with valine.
Molecular consequence: missense variant. On other transcripts: synonymous variant (2).
Genome position (GRCh38, 1-based): chr12:32,792,705, G>A on the plus strand (C>T on the coding strand, the complement: PKP2 is on the minus strand). VCF-style: chr12-32792705-G-A. GRCh37 (hg19) VCF-style: chr12-32945639-G-A.
Other names: c.2057C>T, p.Ala686Val (NM_001407158.1, NM_001407159.1); c.1867C>T, p.Leu623= (NM_001407160.1); c.2516C>T, p.Ala839Val (NM_004572.4); c.2194C>T, p.Leu732= (NM_001407155.1); c.2219C>T, p.Ala740Val (NM_001407156.1); short protein forms A740V, A839V, A795V, A686V.
Identifiers: ClinVar variation 2964183 (VCV002964183.5), dbSNP rs2541184881, ClinGen allele CA384356949.